The following is an entry in ClinVar:

ClinVar aggregate classification (germline): Benign (0 of 4 stars; one submission).

Conditions:
TMEM147-related disorder. Also called: TMEM147-related condition.

Allele frequency attached by ClinVar (database versions not stated): gnomAD exomes 0.00037; ExAC 0.00098; 1000 Genomes Project 30x 0.00265; 1000 Genomes Project 0.00280; gnomAD 0.00362; TOPMed 0.00408; ESP Exome Variant Server 0.00469.

Submission:

PreventionGenetics, part of Exact Sciences
Classification: Benign for TMEM147-related condition. Last evaluated: 2019-07-08. Review status: no assertion criteria provided. Collection method: clinical testing. Allele origin: germline.
Comment: This variant is classified as benign based on ACMG/AMP sequence variant interpretation guidelines (Richards et al. 2015 PMID: 25741868, with internal and published modifications).

NM_032635.4(TMEM147):c.344+10G>A

Gene: TMEM147 (transmembrane protein 147; plus strand). Cytogenetic location: 19q13.12.
Variant type: single nucleotide variant.
Coding change: c.344+10G>A on transcript NM_032635.4 (MANE Select); 10 bases into the intron after coding-DNA position 344, G replaced by A.
Molecular consequence: intron variant.
Genome position (GRCh38, 1-based): chr19:35,546,818, G>A. VCF-style: chr19-35546818-G-A. GRCh37 (hg19) VCF-style: chr19-36037720-G-A.
Other names: c.197+10G>A (NM_001242597.2); c.207+233G>A (NM_001242598.2).
Identifiers: ClinVar variation 3049903 (VCV003049903.2), dbSNP rs74736466, ClinGen allele CA9380417.
Genomic context (GRCh38, chr19:35,546,818, plus strand): 5'-GATCATGGTTGCTGCCCTGGGCTGGGCCACTGCTGAGCTTATTATGTCCCGGTGCGTACA[G>A]CAGCCTGGAGCCCAGACCCCTGAGAAGGGACACCTGGGTTCCACGGGGGTGCTGGAGGGC-3'